The following is an entry in ClinVar:

ClinVar aggregate classification (germline): Likely pathogenic (1 of 4 stars; one submission).

Conditions:
Arrhythmogenic right ventricular dysplasia 9 (ARVD9). Also called: Arrhythmogenic Right Ventricular Dysplasia/Cardiomyopathy 9; ARRHYTHMOGENIC RIGHT VENTRICULAR DYSPLASIA, FAMILIAL, 9. Identifiers: MedGen C1836906, MONDO:0012180, OMIM 609040.

Submission:

Labcorp Genetics (formerly Invitae), Labcorp
Classification: Likely pathogenic for Arrhythmogenic right ventricular dysplasia 9. Last evaluated: 2025-02-16. Review status: criteria provided, single submitter. Criteria: Invitae Variant Classification Sherloc (09022015). Collection method: clinical testing. Allele origin: germline.
Comment: This sequence change affects a donor splice site in intron 2 of the PKP2 gene. It is expected to disrupt RNA splicing. Variants that disrupt the donor or acceptor splice site typically lead to a loss of protein function (PMID: 16199547), and loss-of-function variants in PKP2 are known to be pathogenic (PMID: 15489853, 17041889, 23911551). This variant is not present in population databases (gnomAD no frequency). Disruption of this splice site has been observed in individual(s) with arrhythmogenic right ventricular cardiomyopathy (PMID: 24125834). Algorithms developed to predict the effect of sequence changes on RNA splicing suggest that this variant may disrupt the consensus splice site. In summary, the currently available evidence indicates that the variant is pathogenic, but additional data are needed to prove that conclusively. Therefore, this variant has been classified as Likely Pathogenic.

Literature cited by the submitters: PubMed 16199547; PubMed 15489853; PubMed 17041889; PubMed 23911551; PubMed 24125834.

NM_001005242.3(PKP2):c.336+1G>A

Gene: PKP2 (plakophilin 2; minus strand). Cytogenetic location: 12p11.21.
Variant type: single nucleotide variant.
Coding change: c.336+1G>A on transcript NM_001005242.3 (MANE Select); the canonical splice donor site of the intron after coding-DNA position 336, G replaced by A.
Molecular consequence: splice donor variant.
Genome position (GRCh38, 1-based): chr12:32,878,919, C>T on the plus strand (G>A on the coding strand, the complement: PKP2 is on the minus strand). VCF-style: chr12-32878919-C-T. GRCh37 (hg19) VCF-style: chr12-33031853-C-T.
Other names: c.336+1G>A (NM_001407156.1, NM_001407155.1, NM_004572.4 and 2 more transcripts); c.9+1G>A (NM_001407160.1, NM_001407159.1, NM_001407158.1 and 1 more transcripts).
Identifiers: ClinVar variation 3721117 (VCV003721117.2).